The following is an entry in ClinVar:

ClinVar aggregate classification (germline): Pathogenic. Review status: criteria provided, multiple submitters, no conflicts (2 of 4 stars). 3 submissions from 2 submitters: Pathogenic (3). Last evaluated 2024-07-30.

Conditions:
Pituitary adenoma 5, multiple types. Identifiers: MedGen C4539685, MONDO:0054601, OMIM 617540.
Usher syndrome type 1 (USH1). Also called: RETINITIS PIGMENTOSA AND CONGENITAL DEAFNESS. Identifiers: Orphanet 231169, Orphanet 886, MedGen C1568247, MONDO:0010168, OMIM 276900.

Allele frequency attached by ClinVar (database versions not stated): gnomAD exomes below 0.00001 and 0.00001; TOPMed below 0.00001.
gnomAD v4.1: 9 of 1,587,048 alleles (0.00057%); highest among the groups gnomAD compares: Non-Finnish European, 0.00069%; no homozygotes.

Submissions (3):

Labcorp Genetics (formerly Invitae), Labcorp
Classification: Pathogenic. Last evaluated: 2024-07-30. Review status: criteria provided, single submitter. Criteria: Invitae Variant Classification Sherloc (09022015). Collection method: clinical testing. Allele origin: germline.
Comment: This sequence change affects codon 2624 of the CDH23 mRNA. It is a 'silent' change, meaning that it does not change the encoded amino acid sequence of the CDH23 protein. This variant also falls at the last nucleotide of exon 55, which is part of the consensus splice site for this exon. The frequency data for this variant in the population databases is considered unreliable, as metrics indicate poor data quality at this position in the gnomAD database. This variant has been observed in individual(s) with Usher Syndrome (PMID: 12075507, 21940737, 33089500). In at least one individual the data is consistent with being in trans (on the opposite chromosome) from a pathogenic variant. ClinVar contains an entry for this variant (Variation ID: 813418). Variants that disrupt the consensus splice site are a relatively common cause of aberrant splicing (PMID: 17576681, 9536098). Studies have shown that this variant alters mRNA splicing and is expected to lead to the loss of protein expression (PMID: 20052763). For these reasons, this variant has been classified as Pathogenic.

Baylor Genetics
Classification: Pathogenic for Pituitary adenoma 5, multiple types. Last evaluated: 2024-01-25. Review status: criteria provided, single submitter. Criteria: ACMG Guidelines, 2015. Collection method: clinical testing. Allele origin: unknown.

Baylor Genetics
Classification: Pathogenic for Usher syndrome type 1. Review status: criteria provided, single submitter. Criteria: ACMG Guidelines, 2015. Collection method: clinical testing. Allele origin: germline.

Literature cited by the submitters: PubMed 12075507 (cited by Labcorp Genetics (formerly Invitae), Labcorp); PubMed 21940737 (cited by Labcorp Genetics (formerly Invitae), Labcorp); PubMed 33089500 (cited by Labcorp Genetics (formerly Invitae), Labcorp); PubMed 17576681 (cited by Labcorp Genetics (formerly Invitae), Labcorp); PubMed 9536098 (cited by Labcorp Genetics (formerly Invitae), Labcorp); PubMed 20052763 (cited by Labcorp Genetics (formerly Invitae), Labcorp).

NM_022124.6(CDH23):c.7872G>A (p.Glu2624=)

Gene: CDH23 (cadherin related 23; plus strand). Cytogenetic location: 10q22.1.
Variant type: single nucleotide variant.
Coding change: c.7872G>A on transcript NM_022124.6 (MANE Select); coding-DNA position 7872, G replaced by A.
Protein change: p.Glu2624=; no amino-acid change (glutamic acid 2624 retained).
Molecular consequence: synonymous variant.
Genome position (GRCh38, 1-based): chr10:71,803,420, G>A. VCF-style: chr10-71803420-G-A. GRCh37 (hg19) VCF-style: chr10-73563177-G-A.
Other names: c.1152G>A, p.Glu384= (NM_001171933.1, NM_001171934.1).
Identifiers: ClinVar variation 813418 (VCV000813418.6), dbSNP rs1292050472, ClinGen allele CA470062995.